The following is an entry in ClinVar:

ClinVar aggregate classification (germline): Uncertain significance. Review status: criteria provided, multiple submitters, no conflicts (2 of 4 stars). 2 submissions from 2 submitters: Uncertain significance (2). Last evaluated 2024-12-07.

Conditions:
Pulmonary hypertension, primary, 1 (PPH1). Also called: Pulmonary hypertension, familial primary, 1, with or without HHT. Identifiers: Orphanet 422, MedGen C4552070, MONDO:0024533, OMIM 178600.
Pulmonary venoocclusive disease 1 (PVOD1). Also called: Pulmonary venoocclusive disease 1, autosomal dominant. Identifiers: Orphanet 31837, MedGen C3887658, MONDO:0020713, OMIM 265450.
Inborn genetic diseases. Identifiers: MedGen C0950123, MeSH D030342.

Submissions (2):

Ambry Genetics
Classification: Uncertain significance for Inborn genetic diseases. Last evaluated: 2024-12-07. Review status: criteria provided, single submitter. Criteria: Ambry Variant Classification Scheme 2023. Collection method: clinical testing. Allele origin: germline.
Comment: The p.P142S variant (also known as c.424C>T), located in coding exon 4 of the BMPR2 gene, results from a C to T substitution at nucleotide position 424. The proline at codon 142 is replaced by serine, an amino acid with similar properties. This amino acid position is conserved. In addition, this alteration is predicted to be tolerated by in silico analysis. Based on the available evidence, the clinical significance of this variant remains unclear.

Fulgent Genetics
Classification: Uncertain significance for Pulmonary hypertension, primary, 1; Pulmonary venoocclusive disease 1. Last evaluated: 2024-05-07. Review status: criteria provided, single submitter. Criteria: ACMG Guidelines, 2015. Collection method: clinical testing. Allele origin: germline.

NM_001204.7(BMPR2):c.424C>T (p.Pro142Ser)

Gene: BMPR2 (bone morphogenetic protein receptor type 2; plus strand). Cytogenetic location: 2q33.2.
Variant type: single nucleotide variant.
Coding change: c.424C>T on transcript NM_001204.7 (MANE Select); coding-DNA position 424, C replaced by T.
Protein change: p.Pro142Ser; replaces proline 142 with serine.
Molecular consequence: missense variant.
Genome position (GRCh38, 1-based): chr2:202,513,724, C>T. VCF-style: chr2-202513724-C-T. GRCh37 (hg19) VCF-style: chr2-203378447-C-T.
Other names: short protein forms P142S.
Identifiers: ClinVar variation 3481347 (VCV003481347.2).